The following is an entry in ClinVar:

ClinVar aggregate classification (germline): Conflicting classifications of pathogenicity. Review status: criteria provided, conflicting classifications (1 of 4 stars). 5 submissions from 5 submitters: Uncertain significance (1); Benign (1); Likely benign (2). 1 of the submissions does not count toward it. Last evaluated 2026-05-06.

Conditions:
Colorectal cancer, hereditary nonpolyposis, type 7. Identifiers: Orphanet 144, MedGen C1858380, MONDO:0013725, OMIM 614385.
MLH3-related disorder. Also called: MLH3-related condition.

Allele frequency attached by ClinVar (database versions not stated): ExAC 0.00001; TOPMed 0.00001; gnomAD exomes 0.00003 and 0.00001; gnomAD 0.00001; ESP Exome Variant Server 0.00008.
gnomAD v4.1: 51 of 1,612,548 alleles (0.0032%); highest among the groups gnomAD compares: Non-Finnish European, 0.0035%; no homozygotes.

Submissions (5):

Myriad Genetics, Inc.
Classification: Benign for Colorectal cancer, hereditary nonpolyposis, type 7. Last evaluated: 2026-05-06. Review status: criteria provided, single submitter. Criteria: Myriad Autosomal Dominant, Autosomal Recessive and X-Linked Classification Criteria (2023). Collection method: clinical testing. Allele origin: unknown.
Comment: This variant is considered benign. This variant is a silent/synonymous amino acid change and it is not expected to impact splicing.

Ambry Genetics
Classification: Likely benign. Last evaluated: 2024-05-14. Review status: criteria provided, single submitter. Criteria: Ambry Variant Classification Scheme 2023. Collection method: clinical testing. Allele origin: germline.

Labcorp Genetics (formerly Invitae), Labcorp
Classification: Likely benign for Colorectal cancer, hereditary nonpolyposis, type 7. Last evaluated: 2024-05-06. Review status: criteria provided, single submitter. Criteria: Invitae Variant Classification Sherloc (09022015). Collection method: clinical testing. Allele origin: germline.

Illumina Laboratory Services, Illumina
Classification: Uncertain significance for Colorectal cancer, hereditary nonpolyposis, type 7. Last evaluated: 2018-01-12. Review status: criteria provided, single submitter. Criteria: ICSL Variant Classification Criteria 13 December 2019. Collection method: clinical testing. Allele origin: germline.

PreventionGenetics, part of Exact Sciences
Classification: Likely benign for MLH3-related condition. Last evaluated: 2024-04-09. Review status: no assertion criteria provided. Collection method: clinical testing. Allele origin: germline. Not counted in ClinVar's aggregate classification.
Comment: This variant is classified as likely benign based on ACMG/AMP sequence variant interpretation guidelines (Richards et al. 2015 PMID: 25741868, with internal and published modifications).

NM_001040108.2(MLH3):c.3384T>C (p.Thr1128=)

Gene: MLH3 (mutL homolog 3; minus strand). Cytogenetic location: 14q24.3.
Variant type: single nucleotide variant.
Coding change: c.3384T>C on transcript NM_001040108.2 (MANE Select); coding-DNA position 3384, T replaced by C.
Protein change: p.Thr1128=; no amino-acid change (threonine 1128 retained).
Molecular consequence: synonymous variant.
Genome position (GRCh38, 1-based): chr14:75,041,696, A>G on the plus strand (T>C on the coding strand, the complement: MLH3 is on the minus strand). VCF-style: chr14-75041696-A-G. GRCh37 (hg19) VCF-style: chr14-75508399-A-G.
Other names: c.3384T>C, p.Thr1128= (NM_014381.3).
Identifiers: ClinVar variation 314377 (VCV000314377.17), dbSNP rs370951929, ClinGen allele CA7275509.